The following is an entry in ClinVar:

ClinVar aggregate classification (germline): Uncertain significance. Review status: criteria provided, multiple submitters, no conflicts (2 of 4 stars). 2 submissions from 2 submitters: Uncertain significance (2). Last evaluated 2025-12-16.

gnomAD v4.1: 26 of 1,614,088 alleles (0.0016%); highest among the groups gnomAD compares: Non-Finnish European, 0.002%; no homozygotes.

Submissions (3):

Labcorp Genetics (formerly Invitae), Labcorp
Classification: Uncertain significance. Last evaluated: 2025-12-16. Review status: criteria provided, single submitter. Criteria: Invitae Variant Classification Sherloc (09022015). Collection method: clinical testing. Allele origin: germline.
Comment: This sequence change replaces serine, which is neutral and polar, with cysteine, which is neutral and slightly polar, at codon 48 of the LIPG protein (p.Ser48Cys). This variant is present in population databases (rs756342921, gnomAD 0.005%). This variant has not been reported in the literature in individuals affected with LIPG-related conditions. ClinVar contains an entry for this variant (Variation ID: 3867333). An algorithm developed to predict the effect of missense changes on protein structure and function (PolyPhen-2) suggests that this variant is likely to be disruptive. In summary, the available evidence is currently insufficient to determine the role of this variant in disease. Therefore, it has been classified as a Variant of Uncertain Significance.

Ambry Genetics
Classification: Uncertain significance. Last evaluated: 2025-01-22. Review status: criteria provided, single submitter. Criteria: Ambry Variant Classification Scheme 2023. Collection method: clinical testing. Allele origin: germline.

Dr. Peter K. Rogan Lab, Western University
No classification provided (evidence only). Condition: Hepatocellular carcinoma. Review status: no classification provided. Collection method: in vitro. Allele origin: not applicable. Functional consequence: retained intron. Not counted in ClinVar's aggregate classification.

NM_006033.4(LIPG):c.143C>G (p.Ser48Cys)

Gene: LIPG (lipase G, endothelial type; plus strand). Cytogenetic location: 18q21.1.
Variant type: single nucleotide variant.
Coding change: c.143C>G on transcript NM_006033.4 (MANE Select); coding-DNA position 143, C replaced by G.
Protein change: p.Ser48Cys; replaces serine 48 with cysteine.
Molecular consequence: missense variant.
Genome position (GRCh38, 1-based): chr18:49,565,362, C>G. VCF-style: chr18-49565362-C-G. GRCh37 (hg19) VCF-style: chr18-47091732-C-G.
Other names: NC_000018.9:g.47091732C>G; c.143C>G, p.Ser48Cys (NM_001308006.2); short protein forms S48C.
Identifiers: ClinVar variation 3867333 (VCV003867333.3).